The following is an entry in ClinVar:

NM_020937.4(FANCM):c.1849C>G (p.Gln617Glu)

Gene: FANCM (FA complementation group M; plus strand). Cytogenetic location: 14q21.2.
Variant type: single nucleotide variant.
Coding change: c.1849C>G on transcript NM_020937.4 (MANE Select); coding-DNA position 1849, C replaced by G.
Protein change: p.Gln617Glu; replaces glutamine 617 with glutamic acid.
Molecular consequence: missense variant.
Genome position (GRCh38, 1-based): chr14:45,167,010, C>G. VCF-style: chr14-45167010-C-G. GRCh37 (hg19) VCF-style: chr14-45636213-C-G.
Other names: c.1849C>G (NM_020937.3); c.1771C>G, p.Gln591Glu (NM_001308133.2); c.1849C>G, p.Gln617Glu (NM_001308134.2); short protein forms Q591E, Q617E.
Identifiers: ClinVar variation 656063 (VCV000656063.18), dbSNP rs138201476, ClinGen allele CA7169172.

ClinVar aggregate classification (germline): Uncertain significance. Review status: criteria provided, multiple submitters, no conflicts (2 of 4 stars). 5 submissions from 5 submitters: Uncertain significance (5). Last evaluated 2025-12-30.

Conditions:
Hereditary cancer-predisposing syndrome. Also called: Hereditary Cancer Syndrome; Hereditary neoplastic syndrome; Tumor predisposition; Neoplastic Syndromes, Hereditary. Identifiers: Orphanet 140162, MedGen C0027672, MeSH D009386, MONDO:0015356.
Fanconi anemia (FA). Also called: Fanconi's anemia. Identifiers: Orphanet 84, MedGen C0015625, MeSH D005199, MONDO:0019391.

Allele frequency attached by ClinVar (database versions not stated): gnomAD 0.00010; TOPMed 0.00013; ESP Exome Variant Server 0.00015.
gnomAD v4.1: 203 of 1,610,138 alleles (0.013%); highest among the groups gnomAD compares: African/African-American, 0.016%; no homozygotes.

Submissions (5):

Labcorp Genetics (formerly Invitae), Labcorp
Classification: Uncertain significance for Fanconi anemia. Last evaluated: 2025-12-30. Review status: criteria provided, single submitter. Criteria: Invitae Variant Classification Sherloc (09022015). Collection method: clinical testing. Allele origin: germline.
Comment: This sequence change replaces glutamine, which is neutral and polar, with glutamic acid, which is acidic and polar, at codon 617 of the FANCM protein (p.Gln617Glu). This variant is present in population databases (rs138201476, gnomAD 0.02%). This variant has not been reported in the literature in individuals affected with FANCM-related conditions. ClinVar contains an entry for this variant (Variation ID: 656063). An algorithm developed to predict the effect of missense changes on protein structure and function (PolyPhen-2) suggests that this variant is likely to be tolerated. In summary, the available evidence is currently insufficient to determine the role of this variant in disease. Therefore, it has been classified as a Variant of Uncertain Significance.

Dasa
Classification: Uncertain significance. Last evaluated: 2025-05-06. Review status: criteria provided, single submitter. Criteria: DASA Assertion Criteria. Collection method: clinical testing. Allele origin: germline.
Comment: NM_020937.4(FANCM):c.1849C>G (p.Gln617Glu) is a missense variant that results in the substitution of glutamine with glutamic acid. This variant is rare in population databases. Computational prediction algorithms are consistent with a benign effect. The currently available literature and clinical evidence are not sufficient to establish a definitive association between this variant and the reported condition. Therefore, this variant is classified as a variant of uncertain significance.

GeneDx
Classification: Uncertain significance. Last evaluated: 2025-04-14. Review status: criteria provided, single submitter. Criteria: GeneDx Variant Classification Process June 2021. Collection method: clinical testing. Allele origin: germline. Affected: yes.
Comment: In silico analysis indicates that this missense variant does not alter protein structure/function; Observed in individuals with ovarian cancer (PMID: 28881617); This variant is associated with the following publications: (PMID: 28881617)

Quest Diagnostics Nichols Institute San Juan Capistrano
Classification: Uncertain significance. Last evaluated: 2025-03-14. Review status: criteria provided, single submitter. Criteria: Quest Diagnostics criteria. Collection method: clinical testing. Allele origin: unknown.
Comment: The FANCM c.1849C>G (p.Gln617Glu) variant has been reported in the published literature in individuals/families affected with breast and/or ovarian cancer (PMID: 27153395 (2016), 28881617 (2017), 30306255 (2018)). This variant has also been identified in affected and reportedly healthy individuals in a large-scale breast cancer association study (PMID: 33471991 (2021), see also LOVD). The frequency of this variant in the general population (Genome Aggregation Database) is uninformative in the assessment of its pathogenicity. Analysis of this variant using bioinformatics tools for the prediction of the effect of amino acid changes on protein structure and function yielded predictions that this variant is benign. Based on the available information, we are unable to determine the clinical significance of this variant.

Sema4
Classification: Uncertain significance for Hereditary cancer-predisposing syndrome. Last evaluated: 2021-06-30. Review status: criteria provided, single submitter. Criteria: Sema4 Curation Guidelines. Collection method: curation. Allele origin: germline.
Comment: The FANCM c.1849C>G (p.Q617E) variant has been reported in 3 individuals with ovarian cancer (PMID 28881617). This variant was observed in 29/128970 chromosomes in the Non-Finnish European population, according to the Genome Aggregation Database (PMID: 32461654). This variant has been reported in ClinVar (Variation ID 656063). In silico tools suggest the impact of the variant on protein function is benign, though these predictions have not been confirmed by functional studies. The overall evidence is insufficient to meet ACMG/AMP criteria for classifying it as benign or pathogenic. In summary, the clinical significance of this variant is currently uncertain.

Literature cited by the submitters: PubMed 28881617 (cited by Quest Diagnostics Nichols Institute San Juan Capistrano and Sema4); PubMed 33471991 (cited by Quest Diagnostics Nichols Institute San Juan Capistrano); PubMed 27153395 (cited by Quest Diagnostics Nichols Institute San Juan Capistrano); PubMed 30306255 (cited by Quest Diagnostics Nichols Institute San Juan Capistrano); PubMed 36707629 (cited by Quest Diagnostics Nichols Institute San Juan Capistrano).